The following is an entry in ClinVar:

NM_001292063.2(OTOG):c.6408C>A (p.Val2136=)

Gene: OTOG (otogelin; plus strand). Cytogenetic location: 11p15.1.
Variant type: single nucleotide variant.
Coding change: c.6408C>A on transcript NM_001292063.2 (MANE Select); coding-DNA position 6408, C replaced by A.
Protein change: p.Val2136=; no amino-acid change (valine 2136 retained).
Molecular consequence: synonymous variant.
Genome position (GRCh38, 1-based): chr11:17,612,735, C>A. VCF-style: chr11-17612735-C-A. GRCh37 (hg19) VCF-style: chr11-17634282-C-A.
Other names: c.6444C>A, p.Val2148= (NM_001277269.2).
Identifiers: ClinVar variation 2976170 (VCV002976170.4), dbSNP rs1038338230, ClinGen allele CA218478920.
Genomic context (GRCh38, chr11:17,612,735, plus strand): 5'-AGCTCTGTTCAAGGAGGCCATCTACATCCTCAGCCAGAGCCCAGATGAAATGCTCACCGT[C>A]CATGTACTGGACTGCAAAAGTGCCAACCTGGTGCCTGCCCCATACCTCCCTCCCTGCTGG-3'
Protein context (NP_001278992.1, residues 2126-2146): LSQSPDEMLT[Val2136=]HVLDCKSANL

ClinVar aggregate classification (germline): Likely benign. Review status: criteria provided, multiple submitters, no conflicts (2 of 4 stars). 2 submissions from 2 submitters: Likely benign (2). Last evaluated 2026-07-01.

Allele frequency attached by ClinVar (database versions not stated): gnomAD 0.00001; gnomAD exomes 0.00001; TOPMed 0.00001.
gnomAD v4.1: 18 of 1,550,508 alleles (0.0012%); highest among the groups gnomAD compares: Non-Finnish European, 0.0016%; no homozygotes.

Submissions (2):

CeGaT Center for Human Genetics Tuebingen
Classification: Likely benign. Last evaluated: 2026-07-01. Review status: criteria provided, single submitter. Criteria: CeGaT Center For Human Genetics Tuebingen Variant Classification Criteria Version 2. Collection method: clinical testing. Allele origin: germline. Affected: yes. Observed: 1 variant allele.
Comment: OTOG: BP4, BP7

Labcorp Genetics (formerly Invitae), Labcorp
Classification: Likely benign. Last evaluated: 2023-11-27. Review status: criteria provided, single submitter. Criteria: Invitae Variant Classification Sherloc (09022015). Collection method: clinical testing. Allele origin: germline.